The following is an entry in ClinVar:

NM_001098816.3(TENM4):c.153C>T (p.Asp51=)

Gene: TENM4 (teneurin transmembrane protein 4; minus strand). Cytogenetic location: 11q14.1.
Variant type: single nucleotide variant.
Coding change: c.153C>T on transcript NM_001098816.3 (MANE Select); coding-DNA position 153, C replaced by T.
Protein change: p.Asp51=; no amino-acid change (aspartic acid 51 retained).
Molecular consequence: synonymous variant.
Genome position (GRCh38, 1-based): chr11:79,069,792, G>A on the plus strand (C>T on the coding strand, the complement: TENM4 is on the minus strand). VCF-style: chr11-79069792-G-A. GRCh37 (hg19) VCF-style: chr11-78780837-G-A.
Other names: p.Asp51=.
Identifiers: ClinVar variation 3056958 (VCV003056958.3), dbSNP rs61745036, ClinGen allele CA6207721.

ClinVar aggregate classification (germline): Benign. Review status: criteria provided, single submitter (1 of 4 stars). 2 submissions from 2 submitters: Benign (1). 1 of the submissions does not count toward it. Last evaluated 2022-03-24.

Conditions:
TENM4-related disorder. Also called: TENM4-related condition.

Allele frequency attached by ClinVar (database versions not stated): 1000 Genomes Project 0.02955; ESP Exome Variant Server 0.03285; 1000 Genomes Project 30x 0.02748; ExAC 0.04380.
gnomAD v4.1: 48,916 of 1,551,216 alleles (3.2%); highest among the groups gnomAD compares: South Asian, 6.5%; 962 homozygotes.

Submissions (2):

Mayo Clinic Laboratories, Mayo Clinic
Classification: Benign. Last evaluated: 2022-03-24. Review status: criteria provided, single submitter. Criteria: ACMG Guidelines, 2015. Collection method: clinical testing. Allele origin: germline. Observed: 37 variant alleles.

PreventionGenetics, part of Exact Sciences
Classification: Benign for TENM4-related condition. Last evaluated: 2019-03-25. Review status: no assertion criteria provided. Collection method: clinical testing. Allele origin: germline. Not counted in ClinVar's aggregate classification.
Comment: This variant is classified as benign based on ACMG/AMP sequence variant interpretation guidelines (Richards et al. 2015 PMID: 25741868, with internal and published modifications).